The following is an entry in ClinVar:

NM_001148.6(ANK2):c.4373A>G (p.Glu1458Gly)

Gene: ANK2 (ankyrin 2; plus strand). Cytogenetic location: 4q26.
Variant type: single nucleotide variant.
Coding change: c.4373A>G on transcript NM_001148.6 (MANE Select); coding-DNA position 4373, A replaced by G.
Protein change: p.Glu1458Gly; replaces glutamic acid 1458 with glycine.
Molecular consequence: missense variant. On other transcripts: intron variant (8).
Genome position (GRCh38, 1-based): chr4:113,348,277, A>G. VCF-style: chr4-113348277-A-G. GRCh37 (hg19) VCF-style: chr4-114269433-A-G.
Other names: p.E1458G:GAA>GGA; c.4373A>G (LRG_327t1); c.4346A>G, p.Glu1449Gly (NM_001127493.3); c.4385A>G, p.Glu1462Gly (NM_001354225.2); c.4274A>G, p.Glu1425Gly (NM_001354228.2, NM_001354258.2); c.4352A>G, p.Glu1451Gly (NM_001354230.2); c.4415A>G, p.Glu1472Gly (NM_001354231.2, NM_001354242.2); c.4409A>G, p.Glu1470Gly (NM_001354232.2); and 35 more; short protein forms E1425G, E1449G, E1458G, E1403G, E1436G, E1451G, E1457G, E1470G.
Identifiers: ClinVar variation 18056 (VCV000018056.41), dbSNP rs72544141, ClinGen allele CA127763.

ClinVar aggregate classification (germline): Conflicting classifications of pathogenicity. Review status: criteria provided, conflicting classifications (1 of 4 stars). 15 submissions from 14 submitters: Uncertain significance (5); Likely benign (6). 4 of the submissions do not count toward it. Last evaluated 2026-03-27.

Conditions:
ANK2-related disorder. Also called: ANK2-related condition.
Cardiovascular phenotype. Identifiers: MedGen CN230736.
Familial long QT syndrome (RWS). Also called: Romano-Ward syndrome; VENTRICULAR FIBRILLATION WITH PROLONGED QT INTERVAL; Congenital long QT syndrome. Identifiers: Orphanet 768, MedGen C1141890, MONDO:0019171.
Long QT syndrome (LQTS). Identifiers: MedGen C0023976, MeSH D008133, MONDO:0002442. Disease mechanism: loss of function. Inheritance: Various modes of inheritance.
Long QT syndrome 4 (LQT4). Identifiers: Orphanet 101016, MedGen C1833154, MONDO:0800323.
Cardiac arrhythmia, ankyrin-B-related. Also called: ANKYRIN-B SYNDROME. Identifiers: Orphanet 101016, Orphanet 768, MedGen C1970119, MONDO:0010958, OMIM 600919.

Allele frequency attached by ClinVar (database versions not stated): gnomAD 0.00085 and 0.00084; 1000 Genomes Project 0.00100; TOPMed 0.00121; gnomAD exomes 0.00055 and 0.00074; ExAC 0.00042; 1000 Genomes Project 30x 0.00125.
gnomAD v4.1: 1,202 of 1,613,402 alleles (0.075%); highest among the groups gnomAD compares: Admixed American, 0.22%; 2 homozygotes.

Submissions (15):

Molecular Diagnostic Laboratory for Inherited Cardiovascular Disease, Montreal Heart Institute
Classification: Uncertain significance for Cardiovascular phenotype. Last evaluated: 2026-03-27. Review status: criteria provided, single submitter. Criteria: ACMG Guidelines, 2015. Collection method: clinical testing. Allele origin: germline. Affected: yes.
Comment: PS3_mod, BS1

Labcorp Genetics (formerly Invitae), Labcorp
Classification: Likely benign for Long QT syndrome. Last evaluated: 2026-02-03. Review status: criteria provided, single submitter. Criteria: Invitae Variant Classification Sherloc (09022015). Collection method: clinical testing. Allele origin: germline.

GeneDx
Classification: Uncertain significance. Last evaluated: 2026-01-28. Review status: criteria provided, single submitter. Criteria: GeneDx Variant Classification Process June 2021. Collection method: clinical testing. Allele origin: germline. Affected: yes.
Comment: Reported in several individuals with sudden death/SIDS (PMID: 26350513, 27930701, 29247119, 28074886) and in association with HCM (PMID: 23396983, 25351510), although additional cardiogenetic variants were identified in some of these probands; Reported in several individuals without a known history of cardiovascular disease (PMID: 23861362, 26159999, 28654958, 29431110); Identified as secondary finding in a cohort of patients with intellectual disability or developmental delay referred for WES/WGS who was reported to have a clinical diagnosis of HCM and arrhythmia (PMID: 29790872); In silico analysis supports that this missense variant has a deleterious effect on protein structure/function; Functional studies demonstrated this variant results in abnormal Ca2+ signaling in mouse cardiomyocytes, and mice heterozygous for this variant had a high incidence of sudden death after exercise and exposure to epinephrine (PMID: 12571597, 17242276); This variant is associated with the following publications: (PMID: 17242276, 23396983, 26159999, 15178757, 7485162, 29247119, 28880023, 27930701, 28654958, 28074886, 18832177, 26220970, 26350513, 19394342, 29431110, 20724725, 22581653, 28988457, 25351510, 32164423, 29198934, 35990955, 12571597, 29790872, 23861362, 40866040, 31264976)

PreventionGenetics, part of Exact Sciences
Classification: Likely benign for ANK2-related condition. Last evaluated: 2025-02-19. Review status: criteria provided, single submitter. Criteria: ACMG Guidelines, 2015. Collection method: clinical testing. Allele origin: germline.
Comment: This variant is classified as likely benign based on ACMG/AMP sequence variant interpretation guidelines (Richards et al. 2015 PMID: 25741868, with internal and published modifications).

Blueprint Genetics
Classification: Likely benign. Last evaluated: 2024-11-22. Review status: criteria provided, single submitter. Criteria: ACMG Guidelines, 2015. Collection method: clinical testing. Allele origin: germline.

Women's Health and Genetics/Laboratory Corporation of America, LabCorp
Classification: Likely benign. Last evaluated: 2024-04-08. Review status: criteria provided, single submitter. Criteria: LabCorp Variant Classification Summary - May 2015. Collection method: clinical testing. Allele origin: germline.

HudsonAlpha Institute for Biotechnology
Classification: Uncertain significance for Cardiac arrhythmia, ankyrin-B-related. Last evaluated: 2024-02-16. Review status: criteria provided, single submitter. Criteria: HA_assertions_20150911. Collection method: research. Allele origin: unknown. Observed: 1 variant allele. Study: CSER-HudsonAlpha.

Ambry Genetics
Classification: Likely benign for Cardiovascular phenotype. Last evaluated: 2021-11-04. Review status: criteria provided, single submitter. Criteria: Ambry Variant Classification Scheme 2023. Collection method: clinical testing. Allele origin: germline.

AiLife Diagnostics
Classification: Uncertain significance. Last evaluated: 2020-05-28. Review status: criteria provided, single submitter. Criteria: ACMG Guidelines, 2015. Collection method: clinical testing. Allele origin: germline. Affected: yes. Observed: 1 variant allele.

ARUP Laboratories, Molecular Genetics and Genomics, ARUP Laboratories
Classification: Uncertain significance. Last evaluated: 2018-10-01. Review status: criteria provided, single submitter. Criteria: ARUP Molecular Germline Variant Investigation Process. Collection method: clinical testing. Allele origin: germline.
Comment: The ANK2 c.4373A>G; p.Glu1458Gly variant (rs72544141), also known as p.Glu1425Gly, is reported in the literature in individuals affected with Long QT syndrome, sinus node dysfunction, arrhythmia, sudden unexplained death, and hypertrophic cardiomyopathy (Hertz 2016, Le Scouarnec 2008, Lin 2017. Lopes 2013, Mohler 2003, Neubauer 2017). In one large family, this variant segregated with long QT syndrome and sinus node dysfunction in more than 20 affected individuals and was not observed in any unaffected individuals (Le Scouarnec 2008, Mohler 2003). However, this variant was also observed in a healthy individual with normal QT interval (Mohler 2004), and it was not significantly associated with longer QT interval in a large Dutch cohort (Ghouse 2015). Further, the p.Glu1458Gly variant is found in the Latino population with an overall allele frequency of 0.11% (38/24226 alleles, including one homozygote) in the Genome Aggregation Database, and this population frequency exceeds the estimated prevalence of Long QT syndrome at 1 in 2000 (Lin 2017). In mouse cardiomyocytes lacking one copy of ANK2, transfection of the p.Glu1458Gly variant fails to rescue decreased spontaneous contraction rate to the same extent as wildtype protein (Mohler 2003, Mohler 2007). The glutamate at codon 1458 is highly conserved, but computational analyses (SIFT, PolyPhen-2) predict that this variant is tolerated. Due to conflicting information, the clinical significance of the p.Glu1458Gly variant is uncertain at this time. References: Ghouse J et al. Rare genetic variants previously associated with congenital forms of long QT syndrome have little or no effect on the QT interval. Eur Heart J. 2015 Oct 1;36(37):2523-9. Hertz CL et al. Genetic investigations of sudden unexpected deaths in infancy using next-generation sequencing of 100 genes associated with cardiac diseases. Eur J Hum Genet. 2016 Jun;24(6):817-22. Le Scouarnec S et al. Dysfunction in ankyrin-B-dependent ion channel and transporter targeting causes human sinus node disease. Proc Natl Acad Sci U S A. 2008 Oct 7;105(40):15617-22. Lin Y et al. Applying High-Resolution Variant Classification to Cardiac Arrhythmogenic Gene Testing in a Demographically Diverse Cohort of Sudden Unexplained Deaths. Circ Cardiovasc Genet. 2017 Dec;10(6). Lopes LR et al. Genetic complexity in hypertrophic cardiomyopathy revealed by high-throughput sequencing. J Med Genet. 2013 Apr;50(4):228-39. Mohler PJ et al. A cardiac arrhythmia syndrome caused by loss of ankyrin-B function. Proc Natl Acad Sci U S A. 2004 Jun 15;101(24):9137-42. Mohler PJ et al. Ankyrin-B mutation causes type 4 long-QT cardiac arrhythmia and sudden cardiac death. Nature. 2003 Feb 6;421(6923):634-9. Mohler PJ et al. Defining the cellular phenotype of ankyrin-B syndrome" variants: human ANK2 variants associated with clinical phenotypes display a spectrum of activities in cardiomyocytes. Circulation. 2007 Jan 30;115(4):432-41. Neubauer J et al. Post-mortem whole-exome analysis in a large sudden infant death syndrome cohort with a focus on cardiovascular and metabolic genetic diseases. Eur J Hum Genet. 2017 Apr;25(4):404-409. "

Biesecker Lab/Clinical Genomics Section, National Institutes of Health
Classification: Likely benign for Long QT syndrome. Last evaluated: 2013-06-24. Review status: criteria provided, single submitter. Criteria: Ng et al. (Circ Cardiovasc Genet. 2013). Collection method: research. Allele origin: unknown. Observed: 2 variant alleles. Study: ClinSeq.
Comment: The study set was not selected for affection status in relation to any cancer. Pathogenicity categories were based on literature curation. See Pubmed ID:23861362 for details.

Medical sequencing

Cardiovascular Biomedical Research Unit, Royal Brompton & Harefield NHS Foundation Trust
No classification provided. Condition: Familial long QT syndrome. Review status: no classification provided. Collection method: literature only. Allele origin: germline. Not counted in ClinVar's aggregate classification.
Comment: This variant has been reported as associated with Long QT syndrome in the following publications (PMID:12571597;PMID:15178757;PMID:18832177). This is a literature report, and does not necessarily reflect the clinical interpretation of the Imperial College / Royal Brompton Cardiovascular Genetics laboratory.

Laboratory for Molecular Medicine, Mass General Brigham Personalized Medicine
Classification: Likely pathogenic for Cardiac arrhythmia, ankyrin B-related. Last evaluated: 2014-12-22. Review status: flagged submission. Criteria: LMM Criteria. Collection method: clinical testing. Allele origin: germline. Inheritance: Autosomal dominant inheritance. Observed: 1 variant allele. Study: CSER-MedSeq. Not counted in ClinVar's aggregate classification.
Comment: The p.Glu1458Gly variant (also referred to as p.Glu1425Gly) has been identified in >20 affected members of a large kindred with autosomal dominant long QT syndrome (Mohler 2003). It has been identified in an unaffected individual whose three siblings died suddenly at a young age (Mohler 2004). It has also been identified in 0.06% (41/67458) of European chromosomes by the Exome Aggregation Consortium (ExAC; dbSNP rs72544141). Please note that for diseases with clinical variability, reduced penetrance, or recessive inheritance, pathogenic variants may be present at a low frequency in the general population. In vitro and in vivo functional studies in mice provide some evidence that the p.Glu1458Gly variant may impact protein function (Mohler 2003, Mohler 2004, Le Scouarnec 2008). In p.Glu1458Gly variant is likely pathogenic.
ClinVar note: Reason: Outlier claim with insufficient supporting evidence

OMIM
Classification: Pathogenic for LONG QT SYNDROME 4. Last evaluated: 2004-06-15. Review status: flagged submission. Collection method: literature only. Allele origin: germline. Not counted in ClinVar's aggregate classification.
ClinVar note: Reason: Outlier claim with insufficient supporting evidence

OMIM
Classification: Pathogenic for CARDIAC ARRHYTHMIA, ANKYRIN-B-RELATED. Last evaluated: 2004-06-15. Review status: flagged submission. Collection method: literature only. Allele origin: germline. Not counted in ClinVar's aggregate classification.
ClinVar note: Reason: Outlier claim with insufficient supporting evidence

Literature cited by the submitters: PubMed 28518168 (cited by Ambry Genetics); PubMed 32461654 (cited by Ambry Genetics); PubMed 12571597 (cited by 4 submitters); PubMed 26159999 (cited by AiLife Diagnostics); PubMed 26350513 (cited by AiLife Diagnostics); PubMed 28988457 (cited by AiLife Diagnostics); PubMed 29247119 (cited by AiLife Diagnostics); PubMed 28074886 (cited by AiLife Diagnostics); PubMed 29431110 (cited by AiLife Diagnostics); PubMed 29790872 (cited by AiLife Diagnostics); PubMed 15178757 (cited by Cardiovascular Biomedical Research Unit, Royal Brompton & Harefield NHS Foundation Trust and OMIM); PubMed 18832177 (cited by Cardiovascular Biomedical Research Unit, Royal Brompton & Harefield NHS Foundation Trust); PubMed 22581653 (cited by Cardiovascular Biomedical Research Unit, Royal Brompton & Harefield NHS Foundation Trust).